The following is an entry in ClinVar:

ClinVar aggregate classification (germline): Conflicting classifications of pathogenicity. Review status: criteria provided, conflicting classifications (1 of 4 stars). 4 submissions from 4 submitters: Uncertain significance (2); Likely benign (2). Last evaluated 2026-02-23.

Conditions:
KMT2D-related disorder. Also called: KMT2D-Related Disorders.
Kabuki syndrome. Also called: Kabuki make-up syndrome; NIIKAWA-KUROKI SYNDROME. Identifiers: Orphanet 2322, MedGen C0796004, MONDO:0016512.

Allele frequency attached by ClinVar (database versions not stated): gnomAD 0.00002; gnomAD exomes 0.00003 and 0.00005; TOPMed 0.00003; ExAC 0.00004.
gnomAD v4.1: 71 of 1,613,856 alleles (0.0044%); highest among the groups gnomAD compares: East Asian, 0.0067%; no homozygotes.

Submissions (4):

PreventionGenetics, part of Exact Sciences
Classification: Uncertain significance for KMT2D-related condition. Last evaluated: 2026-02-23. Review status: criteria provided, single submitter. Criteria: ACMG Guidelines, 2015. Collection method: clinical testing. Allele origin: germline.
Comment: The KMT2D c.13588G>A variant is predicted to result in the amino acid substitution p.Asp4530Asn. This variant has been reported in the heterozygous state in an individual with global developmental delay, autism spectrum disorder, aphasia, distinctive craniofacial features, strabismus, and cardiovascular defects (Blackburn et al. 2017. PubMed ID: 28057753). This variant is reported in 0.0062% of alleles in individuals of European (Non-Finnish) descent in gnomAD and has conflicting interpretations of likely benign and uncertain in ClinVar. Although we suspect that this variant may be benign, at this time, the clinical significance of this variant is uncertain due to the absence of conclusive functional and genetic evidence.

CeGaT Center for Human Genetics Tuebingen
Classification: Likely benign. Last evaluated: 2025-08-01. Review status: criteria provided, single submitter. Criteria: CeGaT Center For Human Genetics Tuebingen Variant Classification Criteria Version 2. Collection method: clinical testing. Allele origin: germline. Affected: yes. Observed: 3 variant alleles.
Comment: KMT2D: BS1

Labcorp Genetics (formerly Invitae), Labcorp
Classification: Likely benign for Kabuki syndrome. Last evaluated: 2025-05-23. Review status: criteria provided, single submitter. Criteria: Invitae Variant Classification Sherloc (09022015). Collection method: clinical testing. Allele origin: germline.

Eurofins Ntd Llc (ga)
Classification: Uncertain significance. Last evaluated: 2015-05-27. Review status: criteria provided, single submitter. Criteria: EGL Classification Definitions 2015. Collection method: clinical testing. Allele origin: germline. Observed: 1 variant allele, 1 heterozygote.

NM_003482.4(KMT2D):c.13588G>A (p.Asp4530Asn)

Gene: KMT2D (lysine methyltransferase 2D; minus strand). Cytogenetic location: 12q13.12.
Variant type: single nucleotide variant.
Coding change: c.13588G>A on transcript NM_003482.4 (MANE Select); coding-DNA position 13588, G replaced by A.
Protein change: p.Asp4530Asn; replaces aspartic acid 4530 with asparagine.
Molecular consequence: missense variant.
Genome position (GRCh38, 1-based): chr12:49,030,976, C>T on the plus strand (G>A on the coding strand, the complement: KMT2D is on the minus strand). VCF-style: chr12-49030976-C-T. GRCh37 (hg19) VCF-style: chr12-49424759-C-T.
Other names: c.13588G>A (NM_003482.3); short protein forms D4530N.
Identifiers: ClinVar variation 197411 (VCV000197411.53), dbSNP rs768143170, ClinGen allele CA245523.